The following is an entry in ClinVar:

ClinVar aggregate classification (germline): Likely pathogenic (1 of 4 stars; one submission).

Conditions:
Autosomal recessive nonsyndromic hearing loss 12. Also called: DEAFNESS, AUTOSOMAL RECESSIVE 12. Identifiers: Orphanet 90636, MedGen C1832394, MONDO:0011067, OMIM 601386.

Submission:

Institute of Rare Diseases, West China Hospital, Sichuan University
Classification: Likely pathogenic for Autosomal recessive nonsyndromic hearing loss 12. Last evaluated: 2025-01-09. Review status: criteria provided, single submitter. Criteria: ClinGen HL ACMG Specifications v1. Collection method: research. Allele origin: germline. Affected: yes.
Comment: PM3;PM5;PM2_Supporting;PP3

NM_022124.6(CDH23):c.132G>C (p.Glu44Asp)

Gene: CDH23 (cadherin related 23; plus strand). Cytogenetic location: 10q22.1.
Variant type: single nucleotide variant.
Coding change: c.132G>C on transcript NM_022124.6 (MANE Select); coding-DNA position 132, G replaced by C.
Protein change: p.Glu44Asp; replaces glutamic acid 44 with aspartic acid.
Molecular consequence: missense variant.
Genome position (GRCh38, 1-based): chr10:71,446,382, G>C. VCF-style: chr10-71446382-G-C. GRCh37 (hg19) VCF-style: chr10-73206139-G-C.
Other names: c.132G>C, p.Glu44Asp (NM_001171930.2, NM_001171931.2, NM_001171932.2 and 1 more transcripts); short protein forms E44D.
Identifiers: ClinVar variation 3601133 (VCV003601133.1).